The following is an entry in ClinVar:

NM_175748.4(UBR7):c.468A>G (p.Val156=)

Gene: UBR7 (ubiquitin protein ligase E3 component n-recognin 7; plus strand). Cytogenetic location: 14q32.12.
Variant type: single nucleotide variant.
Coding change: c.468A>G on transcript NM_175748.4 (MANE Select); coding-DNA position 468, A replaced by G.
Protein change: p.Val156=; no amino-acid change (valine 156 retained).
Molecular consequence: synonymous variant. On other transcripts: non-coding transcript variant (1).
Genome position (GRCh38, 1-based): chr14:93,214,955, A>G. VCF-style: chr14-93214955-A-G. GRCh37 (hg19) VCF-style: chr14-93681301-A-G.
Other names: c.15A>G, p.Val5= (NM_018108.2).
Identifiers: ClinVar variation 2644475 (VCV002644475.24), dbSNP rs757627672, ClinGen allele CA7319854.

ClinVar aggregate classification (germline): Likely benign (1 of 4 stars; one submission).

Allele frequency attached by ClinVar (database versions not stated): ExAC 0.00001; TOPMed 0.00002; gnomAD exomes 0.00003; gnomAD 0.00004.
gnomAD v4.1: 42 of 1,613,844 alleles (0.0026%); highest among the groups gnomAD compares: Admixed American, 0.025%; no homozygotes.

Submission:

CeGaT Center for Human Genetics Tuebingen
Classification: Likely benign. Last evaluated: 2023-03-01. Review status: criteria provided, single submitter. Criteria: CeGaT Center For Human Genetics Tuebingen Variant Classification Criteria Version 2. Collection method: clinical testing. Allele origin: germline. Affected: yes. Observed: 1 variant allele.
Comment: UBR7: BP4, BP7